The following is an entry in ClinVar:

ClinVar aggregate classification (germline): Uncertain significance (1 of 4 stars; one submission).

Conditions:
Cutis laxa, autosomal dominant 3 (ADCL3). Identifiers: Orphanet 90348, MedGen C4225268, MONDO:0014706, OMIM 616603.
Autosomal dominant spastic paraplegia type 9. Identifiers: MedGen C1832669, MONDO:0015091.
de Barsy syndrome. Also called: Cutis laxa-corneal clouding-oligophrenia syndrome. Identifiers: Orphanet 2962, MedGen C0268354, MONDO:0017569.

gnomAD v4.1: 1 of 1,614,166 alleles (0.000062%); no homozygotes.

Submission:

Labcorp Genetics (formerly Invitae), Labcorp
Classification: Uncertain significance for Autosomal dominant spastic paraplegia type 9; de Barsy syndrome; Cutis laxa, autosomal dominant 3. Last evaluated: 2024-12-09. Review status: criteria provided, single submitter. Criteria: Invitae Variant Classification Sherloc (09022015). Collection method: clinical testing. Allele origin: germline.
Comment: This sequence change replaces isoleucine, which is neutral and non-polar, with threonine, which is neutral and polar, at codon 218 of the ALDH18A1 protein (p.Ile218Thr). This variant is not present in population databases (gnomAD no frequency). This variant has not been reported in the literature in individuals affected with ALDH18A1-related conditions. Invitae Evidence Modeling of protein sequence and biophysical properties (such as structural, functional, and spatial information, amino acid conservation, physicochemical variation, residue mobility, and thermodynamic stability) indicates that this missense variant is expected to disrupt ALDH18A1 protein function with a positive predictive value of 80%. In summary, the available evidence is currently insufficient to determine the role of this variant in disease. Therefore, it has been classified as a Variant of Uncertain Significance.

NM_002860.4(ALDH18A1):c.653T>C (p.Ile218Thr)

Gene: ALDH18A1 (aldehyde dehydrogenase 18 family member A1; minus strand). Cytogenetic location: 10q24.1.
Variant type: single nucleotide variant.
Coding change: c.653T>C on transcript NM_002860.4 (MANE Select); coding-DNA position 653, T replaced by C.
Protein change: p.Ile218Thr; replaces isoleucine 218 with threonine.
Molecular consequence: missense variant.
Genome position (GRCh38, 1-based): chr10:95,633,555, A>G on the plus strand (T>C on the coding strand, the complement: ALDH18A1 is on the minus strand). VCF-style: chr10-95633555-A-G. GRCh37 (hg19) VCF-style: chr10-97393312-A-G.
Other names: c.653T>C, p.Ile218Thr (NM_001017423.2, NM_001323413.2, NM_001323414.2 and 1 more transcripts); c.320T>C, p.Ile107Thr (NM_001323412.2, NM_001323416.2, NM_001323418.2); c.548T>C, p.Ile183Thr (NM_001323417.2); c.17T>C, p.Ile6Thr (NM_001323419.2); short protein forms I107T, I183T, I218T, I6T.
Identifiers: ClinVar variation 3755748 (VCV003755748.2).
Genomic context (GRCh38, chr10:95,633,555, plus strand): 5'-ACCCCCTGCAGGTCACTGTTGGGCTCAGCTGGGGGGACAACAGCATCATTTGTGTTGACA[A>G]TGGGGACAATGTTCATTCTAAGGAGTTCATGAAGTGTTCCATTGAGGTTCCGGCGCTTCT-3'
Protein context (NP_002851.2, residues 208-228): HELLRMNIVP[Ile218Thr]VNTNDAVVPP